The following is an entry in ClinVar:

NM_000384.3(APOB):c.4298C>T (p.Ser1433Leu)

Gene: APOB (apolipoprotein B; minus strand). Cytogenetic location: 2p24.1.
Variant type: single nucleotide variant.
Coding change: c.4298C>T on transcript NM_000384.3 (MANE Select); coding-DNA position 4298, C replaced by T.
Protein change: p.Ser1433Leu; replaces serine 1433 with leucine.
Molecular consequence: missense variant.
Genome position (GRCh38, 1-based): chr2:21,012,570, G>A on the plus strand (C>T on the coding strand, the complement: APOB is on the minus strand). VCF-style: chr2-21012570-G-A. GRCh37 (hg19) VCF-style: chr2-21235442-G-A.
Other names: short protein forms S1433L.
Identifiers: ClinVar variation 630306 (VCV000630306.18), dbSNP rs200708197, ClinGen allele CA060839.
Genomic context (GRCh38, chr2:21,012,570, plus strand): 5'-AGTAAACCTTTTGAGACTGGGTTGTTTCCAAGTTTTTCTACATGACTGAATTTGATATTC[G>A]AATCTAGAAATTTGTGGCGTAGAGACCCATCACATGATAGTGTGAACGTATTCTTGTGGT-3'
Protein context (NP_000375.3, residues 1423-1443): DGSLRHKFLD[Ser1433Leu]NIKFSHVEKL

ClinVar aggregate classification (germline): Conflicting classifications of pathogenicity. Review status: criteria provided, conflicting classifications (1 of 4 stars). 5 submissions from 5 submitters: Uncertain significance (4); Likely benign (1). Last evaluated 2026-01-06.

Conditions:
Cardiovascular phenotype. Identifiers: MedGen CN230736.
Familial hypobetalipoproteinemia 1. Also called: Hypobetalipoproteinemia, normotriglyceridemic; Acanthocytosis with hypobetalipoproteinemia; APOB-Related Familial Hypobetalipoproteinemia. Identifiers: MedGen C4551990, MONDO:0014252, OMIM 615558.
Hypercholesterolemia, autosomal dominant, type B (FHCL2). Also called: Familial Hypercholesterolemia Type B; APOLIPOPROTEIN B-100, FAMILIAL DEFECTIVE; APOLIPOPROTEIN B-100, FAMILIAL LIGAND-DEFECTIVE; APOB-Related Familial Hypercholesterolemia, Autosomal Dominant; Hyperlipoproteinemia Type IIb; HYPERCHOLESTEROLEMIA, FAMILIAL, DUE TO LIGAND-DEFECTIVE APOLIPOPROTEIN B. Identifiers: MedGen C1704417, MONDO:0007751, OMIM 144010.

Allele frequency attached by ClinVar (database versions not stated): gnomAD exomes 0.00003 and 0.00008; gnomAD 0.00004; TOPMed 0.00005; ExAC 0.00008.
gnomAD v4.1: 57 of 1,613,794 alleles (0.0035%); highest among the groups gnomAD compares: Middle Eastern, 0.016%; no homozygotes.

Submissions (5):

Labcorp Genetics (formerly Invitae), Labcorp
Classification: Likely benign for Familial hypobetalipoproteinemia 1; Hypercholesterolemia, autosomal dominant, type B. Last evaluated: 2026-01-06. Review status: criteria provided, single submitter. Criteria: Invitae Variant Classification Sherloc (09022015). Collection method: clinical testing. Allele origin: germline.

Ambry Genetics
Classification: Uncertain significance for Cardiovascular phenotype. Last evaluated: 2024-10-14. Review status: criteria provided, single submitter. Criteria: Ambry Variant Classification Scheme 2023. Collection method: clinical testing. Allele origin: germline.
Comment: The p.S1433L variant (also known as c.4298C>T), located in coding exon 26 of the APOB gene, results from a C to T substitution at nucleotide position 4298. The serine at codon 1433 is replaced by leucine, an amino acid with dissimilar properties. This variant was reported in an exome cohort; however, clinical details were limited (Biesecker LG et al. Genome Res., 2009 Sep;19:1665-74). This amino acid position is well conserved in available vertebrate species. In addition, the in silico prediction for this alteration is inconclusive. Since supporting evidence is limited at this time, the clinical significance of this alteration remains unclear.

Blueprint Genetics
Classification: Uncertain significance. Last evaluated: 2024-08-12. Review status: criteria provided, single submitter. Criteria: ACMG Guidelines, 2015. Collection method: clinical testing. Allele origin: germline.

Fulgent Genetics
Classification: Uncertain significance for Hypercholesterolemia, autosomal dominant, type B; Familial hypobetalipoproteinemia 1. Last evaluated: 2021-07-20. Review status: criteria provided, single submitter. Criteria: ACMG Guidelines, 2015. Collection method: clinical testing. Allele origin: unknown.

Breakthrough Genomics
Classification: Uncertain significance. Review status: criteria provided, single submitter. Criteria: ACMG Guidelines, 2015. Collection method: not provided. Allele origin: germline. Inheritance: Autosomal recessive inheritance. Affected: yes.

Literature cited by the submitters: PubMed 19602640 (cited by Ambry Genetics).